The following is an entry in ClinVar:

NM_003072.5(SMARCA4):c.609G>A (p.Ala203=)

Gene: SMARCA4 (SWI/SNF related BAF chromatin remodeling complex subunit ATPase 4; plus strand). Cytogenetic location: 19p13.2.
Variant type: single nucleotide variant.
Coding change: c.609G>A on transcript NM_003072.5 (MANE Select); coding-DNA position 609, G replaced by A.
Protein change: p.Ala203=; no amino-acid change (alanine 203 retained).
Molecular consequence: synonymous variant. On other transcripts: non-coding transcript variant (1).
Genome position (GRCh38, 1-based): chr19:10,986,442, G>A. VCF-style: chr19-10986442-G-A. GRCh37 (hg19) VCF-style: chr19-11097118-G-A.
Other names: c.609G>A, p.Ala203= (NM_001128844.3, NM_001128845.2, NM_001128846.2 and 5 more transcripts).
Identifiers: ClinVar variation 470440 (VCV000470440.13), dbSNP rs752139419, ClinGen allele CA9203530.

ClinVar aggregate classification (germline): Benign/Likely benign. Review status: criteria provided, multiple submitters, no conflicts (2 of 4 stars). 3 submissions from 3 submitters: Benign (1); Likely benign (2). Last evaluated 2026-07-09.

Conditions:
Rhabdoid tumor predisposition syndrome 2 (RTPS2). Identifiers: Orphanet 231108, Orphanet 69077, MedGen C2750074, MONDO:0013224, OMIM 613325.
Hereditary cancer-predisposing syndrome. Also called: Tumor predisposition; Neoplastic Syndromes, Hereditary; Hereditary Cancer Syndrome; Hereditary neoplastic syndrome. Identifiers: Orphanet 140162, MedGen C0027672, MeSH D009386, MONDO:0015356.

Allele frequency attached by ClinVar (database versions not stated): gnomAD exomes below 0.00001; ExAC below 0.00001.
gnomAD v4.1: 5 of 1,567,630 alleles (0.00032%); highest among the groups gnomAD compares: Middle Eastern, 0.017%; no homozygotes.

Submissions (3):

Myriad Genetics, Inc.
Classification: Benign for Rhabdoid tumor predisposition syndrome 2. Last evaluated: 2026-07-09. Review status: criteria provided, single submitter. Criteria: Myriad Autosomal Dominant, Autosomal Recessive and X-Linked Classification Criteria (2023). Collection method: clinical testing. Allele origin: unknown.
Comment: This variant is considered benign. This variant is a silent/synonymous amino acid change and it is not expected to impact splicing.

Labcorp Genetics (formerly Invitae), Labcorp
Classification: Likely benign for Rhabdoid tumor predisposition syndrome 2. Last evaluated: 2023-12-31. Review status: criteria provided, single submitter. Criteria: Invitae Variant Classification Sherloc (09022015). Collection method: clinical testing. Allele origin: germline.

Ambry Genetics
Classification: Likely benign for Hereditary cancer-predisposing syndrome. Last evaluated: 2019-09-22. Review status: criteria provided, single submitter. Criteria: Ambry Variant Classification Scheme 2023. Collection method: clinical testing. Allele origin: germline.